The following is an entry in ClinVar:

ClinVar aggregate classification (germline): Uncertain significance (1 of 4 stars; one submission).

Conditions:
Congenital myasthenic syndrome 9. Also called: Myasthenic syndrome, congenital, 9, associated with acetylcholine receptor deficiency. Identifiers: Orphanet 590, MedGen C4225368, MONDO:0014587, OMIM 616325.
Fetal akinesia deformation sequence 1 (FADS1). Also called: Pena-Shokeir syndrome type I; Fetal akinesia sequence. Identifiers: Orphanet 994, MedGen C1276035, MONDO:0100101, OMIM 208150, HP:0001989.

Submission:

Labcorp Genetics (formerly Invitae), Labcorp
Classification: Uncertain significance for Congenital myasthenic syndrome 9; Fetal akinesia deformation sequence 1. Last evaluated: 2022-11-15. Review status: criteria provided, single submitter. Criteria: Invitae Variant Classification Sherloc (09022015). Collection method: clinical testing. Allele origin: germline.
Comment: In summary, the available evidence is currently insufficient to determine the role of this variant in disease. Therefore, it has been classified as a Variant of Uncertain Significance. Advanced modeling of protein sequence and biophysical properties (such as structural, functional, and spatial information, amino acid conservation, physicochemical variation, residue mobility, and thermodynamic stability) performed at Invitae indicates that this missense variant is expected to disrupt MUSK protein function. This variant has not been reported in the literature in individuals affected with MUSK-related conditions. This variant is not present in population databases (gnomAD no frequency). This sequence change replaces proline, which is neutral and non-polar, with leucine, which is neutral and non-polar, at codon 28 of the MUSK protein (p.Pro28Leu).

NM_005592.4(MUSK):c.83C>T (p.Pro28Leu)

Gene: MUSK (muscle associated receptor tyrosine kinase; plus strand). Cytogenetic location: 9q31.3.
Variant type: single nucleotide variant.
Coding change: c.83C>T on transcript NM_005592.4 (MANE Select); coding-DNA position 83, C replaced by T.
Protein change: p.Pro28Leu; replaces proline 28 with leucine.
Molecular consequence: missense variant.
Genome position (GRCh38, 1-based): chr9:110,682,677, C>T. VCF-style: chr9-110682677-C-T. GRCh37 (hg19) VCF-style: chr9-113444957-C-T.
Other names: c.83C>T, p.Pro28Leu (NM_001166280.2, NM_001166281.2); short protein forms P28L.
Identifiers: ClinVar variation 2048547 (VCV002048547.4), dbSNP rs2490566494, ClinGen allele CA374669673.